The following is an entry in ClinVar:

ClinVar aggregate classification (germline): Pathogenic/Likely pathogenic. Review status: criteria provided, multiple submitters, no conflicts (2 of 4 stars). 7 submissions from 7 submitters: Pathogenic (6); Likely pathogenic (1). Last evaluated 2024-10-16.

Conditions:
Finnish congenital nephrotic syndrome (NPHS1). Also called: NEPHROTIC SYNDROME, TYPE 1. Identifiers: Orphanet 839, MedGen C0403399, MONDO:0009732, OMIM 256300.

Allele frequency attached by ClinVar (database versions not stated): gnomAD exomes 0.00002; TOPMed 0.00002; ExAC 0.00003; gnomAD 0.00006.
gnomAD v4.1: 27 of 1,613,176 alleles (0.0017%); highest among the groups gnomAD compares: Middle Eastern, 0.017%; no homozygotes.

Submissions (7):

Revvity Omics, Revvity
Classification: Pathogenic for Finnish congenital nephrotic syndrome. Last evaluated: 2024-10-16. Review status: criteria provided, single submitter. Criteria: ACMG Guidelines, 2015. Collection method: clinical testing. Allele origin: germline.

Natera, Inc.
Classification: Pathogenic for Finnish congenital nephrotic syndrome. Last evaluated: 2024-10-15. Review status: criteria provided, single submitter. Criteria: Natera Variant Classification Schema (03/2026). Collection method: clinical testing. Allele origin: germline.
Comment: The c.802C>T variant in NPHS1 is a nonsense variant predicted to introduce a stop codon at amino acid 268. This variant is expected to result in nonsense mediated decay, truncation, or a dysfunctional protein product. This variant is rare in the general population with a frequency below the threshold expected for the associated phenotype(s). This variant has been observed in one or more individuals affected with the associated recessive disease, as either homozygous or compound heterozygous with a second variant (PMID: 25349199, 28204945). Given the available evidence, this variant is classified as Pathogenic.

Fulgent Genetics
Classification: Pathogenic for Finnish congenital nephrotic syndrome. Last evaluated: 2024-04-05. Review status: criteria provided, single submitter. Criteria: ACMG Guidelines, 2015. Collection method: clinical testing. Allele origin: germline.

GeneDx
Classification: Likely pathogenic. Last evaluated: 2024-02-06. Review status: criteria provided, single submitter. Criteria: GeneDx Variant Classification Process June 2021. Collection method: clinical testing. Allele origin: germline. Affected: yes.
Comment: Not observed at significant frequency in large population cohorts (gnomAD); Nonsense variant predicted to result in protein truncation or nonsense mediated decay in a gene for which loss of function is a known mechanism of disease; This variant is associated with the following publications: (PMID: 25525159, 31589614, 19423745, 20507940, 28204945, 30594156, 33980730, 34859019)

Labcorp Genetics (formerly Invitae), Labcorp
Classification: Pathogenic. Last evaluated: 2023-12-19. Review status: criteria provided, single submitter. Criteria: Invitae Variant Classification Sherloc (09022015). Collection method: clinical testing. Allele origin: germline.
Comment: This sequence change creates a premature translational stop signal (p.Arg268*) in the NPHS1 gene. It is expected to result in an absent or disrupted protein product. Loss-of-function variants in NPHS1 are known to be pathogenic (PMID: 11317351, 11854170, 12039988). This variant is present in population databases (rs749341977, gnomAD 0.008%). This premature translational stop signal has been observed in individual(s) with nephrotic syndrome (PMID: 19423745, 28204945). ClinVar contains an entry for this variant (Variation ID: 496273). For these reasons, this variant has been classified as Pathogenic.

Clinical Genetics Laboratory, Skane University Hospital Lund
Classification: Pathogenic. Last evaluated: 2022-07-13. Review status: criteria provided, single submitter. Criteria: ACMG Guidelines, 2015. Collection method: clinical testing. Allele origin: germline. Affected: yes.

Women's Health and Genetics/Laboratory Corporation of America, LabCorp
Classification: Pathogenic for Finnish congenital nephrotic syndrome. Last evaluated: 2016-07-14. Review status: criteria provided, single submitter. Criteria: LabCorp Variant Classification Summary - May 2015. Collection method: clinical testing. Allele origin: germline.
Comment: Variant summary: The NPHS1 c.802C>T (p.Arg268X) variant results in a premature termination codon, predicted to cause a truncated or absent NPHS1 protein due to nonsense mediated decay, which are commonly known mechanisms for disease. This variant was found in 4/118618 control chromosomes at a frequency of 0.0000337, which does not exceed the estimated maximal expected allele frequency of a pathogenic NPHS1 variant (0.0033541). This variant has been reported in at least 3 NS patients both in compound heterozygosity and homozygously. Taken together, the variant was classified as Pathogenic.

Literature cited by the submitters: PubMed 25349199 (cited by Natera, Inc.); PubMed 28204945 (cited by Natera, Inc. and Labcorp Genetics (formerly Invitae), Labcorp); PubMed 11317351 (cited by Labcorp Genetics (formerly Invitae), Labcorp); PubMed 11854170 (cited by Labcorp Genetics (formerly Invitae), Labcorp); PubMed 12039988 (cited by Labcorp Genetics (formerly Invitae), Labcorp); PubMed 19423745 (cited by Labcorp Genetics (formerly Invitae), Labcorp and Women's Health and Genetics/Laboratory Corporation of America, LabCorp); PubMed 20507940 (cited by Women's Health and Genetics/Laboratory Corporation of America, LabCorp).

NM_004646.4(NPHS1):c.802C>T (p.Arg268Ter)

Gene: NPHS1 (NPHS1 adhesion molecule, nephrin; minus strand). Cytogenetic location: 19q13.12.
Variant type: single nucleotide variant.
Coding change: c.802C>T on transcript NM_004646.4 (MANE Select); coding-DNA position 802, C replaced by T.
Protein change: p.Arg268Ter; replaces arginine 268 with a stop codon.
Molecular consequence: nonsense.
Genome position (GRCh38, 1-based): chr19:35,849,274, G>A on the plus strand (C>T on the coding strand, the complement: NPHS1 is on the minus strand). VCF-style: chr19-35849274-G-A. GRCh37 (hg19) VCF-style: chr19-36340176-G-A.
Other names: short protein forms R268*.
Identifiers: ClinVar variation 496273 (VCV000496273.15), dbSNP rs749341977, ClinGen allele CA9390652.
Genomic context (GRCh38, chr19:35,849,274, plus strand): 5'-CCATGCCCGCGTTTGCCCTCACCTTCAGCCACTGCAGTGTGGCTAAGGGATTACCCCCTC[G>A]GGCCACGCACGGCAGCTCCAAGCTCTGTCCTGCCCGCACGTGCCCCTCATCCAGGCCTGG-3'